The following is an entry in ClinVar:

ClinVar aggregate classification (germline): Uncertain significance (1 of 4 stars; one submission).

Submission:

GeneDx
Classification: Uncertain significance. Last evaluated: 2026-08-06. Review status: criteria provided, single submitter. Criteria: GeneDx Variant Classification Process June 2021. Collection method: clinical testing. Allele origin: germline.
Comment: In silico analysis supports that this missense variant has a deleterious effect on protein structure/function; In silico analysis is inconclusive as to whether the variant alters gene splicing. In the absence of RNA/functional studies, the actual effect of this sequence change is unknown.; This variant is associated with the following publications: (PMID: 33612823)

NM_018116.4(MSTO1):c.1403T>A (p.Leu468Gln)

Gene: MSTO1 (misato mitochondrial distribution and morphology regulator 1; plus strand). Cytogenetic location: 1q22.
Variant type: single nucleotide variant.
Coding change: c.1403T>A on transcript NM_018116.4 (MANE Select); coding-DNA position 1403, T replaced by A.
Protein change: p.Leu468Gln; replaces leucine 468 with glutamine.
Molecular consequence: missense variant. On other transcripts: non-coding transcript variant (6), synonymous variant (3).
Genome position (GRCh38, 1-based): chr1:155,613,671, T>A. VCF-style: chr1-155613671-T-A. GRCh37 (hg19) VCF-style: chr1-155583462-T-A.
Other names: c.869T>A, p.Leu290Gln (NM_001350780.1, NM_001350781.1, NM_001350782.1 and 2 more transcripts); c.860T>A, p.Leu287Gln (NM_001350784.1, NM_001350785.1, NM_001350787.1 and 1 more transcripts); c.906T>A, p.Ala302= (NM_001350786.1); c.1238T>A, p.Leu413Gln (NM_001350776.1); c.872T>A, p.Leu291Gln (NM_001350777.1, NM_001350778.1, NM_001350779.1); c.1403T>A, p.Leu468Gln (NM_001256532.1, NM_001256533.1, NM_001350772.1 and 1 more transcripts); c.1440T>A, p.Ala480= (NM_001350773.1, NM_001350774.1); short protein forms L287Q, L290Q, L291Q, L413Q, L468Q.
Identifiers: ClinVar variation 4812897 (VCV004812897.2).